The following is an entry in ClinVar:

ClinVar aggregate classification (germline): Uncertain significance (1 of 4 stars; one submission).

Allele frequency attached by ClinVar (database versions not stated): gnomAD exomes 0.00005 and 0.00023; TOPMed 0.00005; gnomAD 0.00001 and 0.00002; ExAC 0.00014.
gnomAD v4.1: 66 of 1,587,610 alleles (0.0042%); highest among the groups gnomAD compares: Admixed American, 0.11%; no homozygotes.

Submission:

Labcorp Genetics (formerly Invitae), Labcorp
Classification: Uncertain significance. Last evaluated: 2023-10-09. Review status: criteria provided, single submitter. Criteria: Invitae Variant Classification Sherloc (09022015). Collection method: clinical testing. Allele origin: germline.
Comment: This sequence change affects codon 721 of the MYSM1 mRNA. It is a 'silent' change, meaning that it does not change the encoded amino acid sequence of the MYSM1 protein. It affects a nucleotide within the consensus splice site. This variant is present in population databases (rs754483165, gnomAD 0.2%). This variant has not been reported in the literature in individuals affected with MYSM1-related conditions. ClinVar contains an entry for this variant (Variation ID: 1355268). Algorithms developed to predict the effect of sequence changes on RNA splicing suggest that this variant is not likely to affect RNA splicing. In summary, the available evidence is currently insufficient to determine the role of this variant in disease. Therefore, it has been classified as a Variant of Uncertain Significance.

NM_001085487.3(MYSM1):c.2163T>C (p.Tyr721=)

Gene: MYSM1 (Myb like, SWIRM and MPN domains 1; minus strand). Cytogenetic location: 1p32.1.
Variant type: single nucleotide variant.
Coding change: c.2163T>C on transcript NM_001085487.3 (MANE Select); coding-DNA position 2163, T replaced by C.
Protein change: p.Tyr721=; no amino-acid change (tyrosine 721 retained).
Molecular consequence: synonymous variant.
Genome position (GRCh38, 1-based): chr1:58,665,500, A>G on the plus strand (T>C on the coding strand, the complement: MYSM1 is on the minus strand). VCF-style: chr1-58665500-A-G. GRCh37 (hg19) VCF-style: chr1-59131172-A-G.
Identifiers: ClinVar variation 1355268 (VCV001355268.4), dbSNP rs754483165, ClinGen allele CA877605.
Genomic context (GRCh38, chr1:58,665,500, plus strand): 5'-GTATGAGTCAAAGAAATAAGAGTAGAAAGAGGATAAAGTTATTTTTGTTGAAAACTTACG[A>G]TAAGAGCCATCTGGGCTAATTTCCTCACTTATAACCAGGCAGGTAATCTGAGAATATGGT-3'
Protein context (NP_001078956.1, residues 711-731): ISEEISPDGS[Tyr721=]RLPYKFEVQQ